The following is an entry in ClinVar:

NC_000015.9:g.(?_89801915)_(89802027_?)del

Gene: FANCI (FA complementation group I; plus strand). Cytogenetic location: 15q26.1.
Variant type: Deletion.
Identifiers: ClinVar variation 2423730 (VCV002423730.4).

ClinVar aggregate classification (germline): Pathogenic (1 of 4 stars; one submission).

Conditions:
Fanconi anemia (FA). Also called: Fanconi's anemia. Identifiers: Orphanet 84, MedGen C0015625, MeSH D005199, MONDO:0019391.

Submission:

Labcorp Genetics (formerly Invitae), Labcorp
Classification: Pathogenic for Fanconi anemia. Last evaluated: 2022-09-02. Review status: criteria provided, single submitter. Criteria: Invitae Variant Classification Sherloc (09022015). Collection method: clinical testing. Allele origin: germline.
Comment: For these reasons, this variant has been classified as Pathogenic. This variant has not been reported in the literature in individuals affected with FANCI-related conditions. This variant is a gross deletion of the genomic region encompassing exon(s) 3 of the FANCI gene. This deletion is out-of-frame, and is expected to create a premature termination codon and result in an absent or disrupted protein product. Loss-of-function variants in FANCI are known to be pathogenic (PMID: 17452773, 17460694).

Literature cited by the submitters: PubMed 17452773; PubMed 17460694.